The following is an entry in ClinVar:

ClinVar aggregate classification (germline): Uncertain significance (1 of 4 stars; one submission).

Submission:

Labcorp Genetics (formerly Invitae), Labcorp
Classification: Uncertain significance. Last evaluated: 2025-04-01. Review status: criteria provided, single submitter. Criteria: Invitae Variant Classification Sherloc (09022015). Collection method: clinical testing. Allele origin: germline.
Comment: This sequence change replaces glutamic acid, which is acidic and polar, with lysine, which is basic and polar, at codon 1287 of the RAI1 protein (p.Glu1287Lys). This variant is present in population databases (rs750747777, gnomAD 0.004%). This variant has not been reported in the literature in individuals affected with RAI1-related conditions. Invitae Evidence Modeling of protein sequence and biophysical properties (such as structural, functional, and spatial information, amino acid conservation, physicochemical variation, residue mobility, and thermodynamic stability) indicates that this missense variant is not expected to disrupt RAI1 protein function with a negative predictive value of 80%. In summary, the available evidence is currently insufficient to determine the role of this variant in disease. Therefore, it has been classified as a Variant of Uncertain Significance.

NM_030665.4(RAI1):c.3859G>A (p.Glu1287Lys)

Gene: RAI1 (retinoic acid induced 1; plus strand). Cytogenetic location: 17p11.2.
Variant type: single nucleotide variant.
Coding change: c.3859G>A on transcript NM_030665.4 (MANE Select); coding-DNA position 3859, G replaced by A.
Protein change: p.Glu1287Lys; replaces glutamic acid 1287 with lysine.
Molecular consequence: missense variant.
Genome position (GRCh38, 1-based): chr17:17,796,807, G>A. VCF-style: chr17-17796807-G-A. GRCh37 (hg19) VCF-style: chr17-17700121-G-A.
Other names: short protein forms E1287K.
Identifiers: ClinVar variation 3712101 (VCV003712101.2).